The following is an entry in ClinVar:

NM_001244008.2(KIF1A):c.3744C>T (p.Asn1248=)

Gene: KIF1A (kinesin family member 1A; minus strand). Cytogenetic location: 2q37.3.
Variant type: single nucleotide variant.
Coding change: c.3744C>T on transcript NM_001244008.2 (MANE Select); coding-DNA position 3744, C replaced by T.
Protein change: p.Asn1248=; no amino-acid change (asparagine 1248 retained).
Molecular consequence: synonymous variant.
Genome position (GRCh38, 1-based): chr2:240,741,274, G>A on the plus strand (C>T on the coding strand, the complement: KIF1A is on the minus strand). VCF-style: chr2-240741274-G-A. GRCh37 (hg19) VCF-style: chr2-241680691-G-A.
Other names: c.3468C>T, p.Asn1156= (NM_001320705.2, NM_001330289.2, NM_001379638.1); c.3543C>T, p.Asn1181= (NM_001330290.2, NM_001379634.1, NM_001379635.1 and 1 more transcripts); c.3819C>T, p.Asn1273= (NM_001379631.1); c.3693C>T, p.Asn1231= (NM_001379632.1); c.3717C>T, p.Asn1239= (NM_001379633.1, NM_001379642.1, NM_001379645.1); c.3441C>T, p.Asn1147= (NM_001379636.1, NM_001379639.1, NM_001379641.1 and 5 more transcripts); c.3516C>T, p.Asn1172= (NM_001379637.1, NM_001379648.1); c.3438C>T, p.Asn1146= (NM_001379640.1); and 1 more.
Identifiers: ClinVar variation 464233 (VCV000464233.11), dbSNP rs771357052, ClinGen allele CA2207689.

ClinVar aggregate classification (germline): Likely benign. Review status: criteria provided, multiple submitters, no conflicts (2 of 4 stars). 3 submissions from 3 submitters: Likely benign (3). Last evaluated 2026-07-02.

Conditions:
KIF1A-related disorder. Also called: KIF1A-related disorders; KIF1A-related condition.
Neuropathy, hereditary sensory, type 2C. Also called: Hereditary sensory and autonomic neuropathy type IIC; KIF1A-Related HSAN2 (HSAN2C). Identifiers: Orphanet 970, MedGen C3280168, MONDO:0013634, OMIM 614213.
Hereditary spastic paraplegia 30. Identifiers: Orphanet 101010, MedGen C5235139, MONDO:0012476.
Intellectual disability, autosomal dominant 9 (NESCAVS). Also called: KIF1A-Related Neurodevelopmental Disorder; NESCAV SYNDROME. Identifiers: Orphanet 662367, MedGen C5393830, MONDO:0013656, OMIM 614255.

Allele frequency attached by ClinVar (database versions not stated): gnomAD 0.00001; gnomAD exomes 0.00001 and 0.00002; TOPMed 0.00002; ExAC 0.00003.
gnomAD v4.1: 23 of 1,588,934 alleles (0.0014%); highest among the groups gnomAD compares: Middle Eastern, 0.017%; no homozygotes.

Submissions (3):

PreventionGenetics, part of Exact Sciences
Classification: Likely benign for KIF1A-related condition. Last evaluated: 2026-07-02. Review status: criteria provided, single submitter. Criteria: ACMG Guidelines, 2015. Collection method: clinical testing. Allele origin: germline.
Comment: This variant is classified as likely benign based on ACMG/AMP sequence variant interpretation guidelines (Richards et al. 2015 PMID: 25741868, with internal and published modifications).

Labcorp Genetics (formerly Invitae), Labcorp
Classification: Likely benign for Hereditary spastic paraplegia 30; Neuropathy, hereditary sensory, type 2C; Intellectual disability, autosomal dominant 9. Last evaluated: 2024-03-06. Review status: criteria provided, single submitter. Criteria: Invitae Variant Classification Sherloc (09022015). Collection method: clinical testing. Allele origin: germline.

Blueprint Genetics
Classification: Likely benign. Last evaluated: 2023-06-07. Review status: criteria provided, single submitter. Criteria: ACMG Guidelines, 2015. Collection method: clinical testing. Allele origin: germline.